The following is an entry in ClinVar:

NM_020297.4(ABCC9):c.295T>A (p.Ser99Thr)

Gene: ABCC9 (ATP binding cassette subfamily C member 9; minus strand). Cytogenetic location: 12p12.1.
Variant type: single nucleotide variant.
Coding change: c.295T>A on transcript NM_020297.4 (MANE Select); coding-DNA position 295, T replaced by A.
Protein change: p.Ser99Thr; replaces serine 99 with threonine.
Molecular consequence: missense variant. On other transcripts: 5 prime UTR variant (1).
Genome position (GRCh38, 1-based): chr12:21,926,053, A>T on the plus strand (T>A on the coding strand, the complement: ABCC9 is on the minus strand). VCF-style: chr12-21926053-A-T. GRCh37 (hg19) VCF-style: chr12-22078987-A-T.
Other names: c.295T>A, p.Ser99Thr (NM_001377273.1, NM_005691.4); c.-160T>A (NM_001377274.1); short protein forms S99T.
Identifiers: ClinVar variation 1399756 (VCV001399756.7), dbSNP rs1270249014, ClinGen allele CA384129715.

ClinVar aggregate classification (germline): Uncertain significance. Review status: criteria provided, multiple submitters, no conflicts (2 of 4 stars). 2 submissions from 2 submitters: Uncertain significance (2). Last evaluated 2025-10-27.

Conditions:
Dilated cardiomyopathy 1O (CMD1O). Also called: CARDIOMYOPATHY, DILATED, WITH VENTRICULAR TACHYCARDIA. Identifiers: Orphanet 154, MedGen C1837839, MONDO:0012062, OMIM 608569.
Intellectual disability and myopathy syndrome (IDMYS). Identifiers: MedGen C5676904, MONDO:0859224, OMIM 619719.
Hypertrichotic osteochondrodysplasia Cantu type. Also called: Cantu Syndrome; Cantú Syndrome. Identifiers: Orphanet 1517, MedGen C0795905, MONDO:0009406, OMIM 239850.
Atrial fibrillation, familial, 12 (ATFB12). Identifiers: MedGen C3279695, MONDO:0013545, OMIM 614050.

Allele frequency attached by ClinVar (database versions not stated): gnomAD exomes below 0.00001.
gnomAD v4.1: 1 of 1,614,080 alleles (0.000062%); highest among the groups gnomAD compares: Non-Finnish European, 0.000085%; no homozygotes.

Submissions (2):

Labcorp Genetics (formerly Invitae), Labcorp
Classification: Uncertain significance for Dilated cardiomyopathy 1O. Last evaluated: 2025-10-27. Review status: criteria provided, single submitter. Criteria: Invitae Variant Classification Sherloc (09022015). Collection method: clinical testing. Allele origin: germline.
Comment: This sequence change replaces serine, which is neutral and polar, with threonine, which is neutral and polar, at codon 99 of the ABCC9 protein (p.Ser99Thr). This variant is present in population databases (no rsID available, gnomAD 0.0009%). This variant has not been reported in the literature in individuals affected with ABCC9-related conditions. ClinVar contains an entry for this variant (Variation ID: 1399756). Invitae Evidence Modeling of protein sequence and biophysical properties (such as structural, functional, and spatial information, amino acid conservation, physicochemical variation, residue mobility, and thermodynamic stability) has been performed for this missense variant. However, the output from this modeling did not meet the statistical confidence thresholds required to predict the impact of this variant on ABCC9 protein function. In summary, the available evidence is currently insufficient to determine the role of this variant in disease. Therefore, it has been classified as a Variant of Uncertain Significance.

Fulgent Genetics
Classification: Uncertain significance for Hypertrichotic osteochondrodysplasia Cantu type; Dilated cardiomyopathy 1O; Atrial fibrillation, familial, 12; Intellectual disability and myopathy syndrome. Last evaluated: 2021-09-01. Review status: criteria provided, single submitter. Criteria: ACMG Guidelines, 2015. Collection method: clinical testing. Allele origin: unknown.